The following is an entry in ClinVar:

NM_004100.5(EYA4):c.1778G>C (p.Gly593Ala)

Genes: TARID (TCF21 antisense RNA inducing promoter demethylation; minus strand), EYA4 (EYA transcriptional coactivator and phosphatase 4; plus strand). Cytogenetic location: 6q23.2.
Variant type: single nucleotide variant.
Coding change: c.1778G>C on transcript NM_004100.5 (MANE Select); coding-DNA position 1778, G replaced by C.
Protein change: p.Gly593Ala; replaces glycine 593 with alanine.
Molecular consequence: missense variant. On other transcripts: intron variant (3).
Genome position (GRCh38, 1-based): chr6:133,525,193, G>C. VCF-style: chr6-133525193-G-C. GRCh37 (hg19) VCF-style: chr6-133846331-G-C.
Other names: c.1796G>C, p.Gly599Ala (NM_001301013.2); c.1634G>C, p.Gly545Ala (NM_001370459.1); c.1709G>C, p.Gly570Ala (NM_172103.4); c.1839+78G>C (NM_172105.4); c.1770+78G>C (NM_001370458.1); c.1677+78G>C (NM_001301012.2); short protein forms G570A, G545A, G593A, G599A.
Identifiers: ClinVar variation 3014452 (VCV003014452.3), dbSNP rs2535525108, ClinGen allele CA365700676.

ClinVar aggregate classification (germline): Uncertain significance (1 of 4 stars; one submission).

Conditions:
Dilated cardiomyopathy 1J (CMD1J). Also called: CARDIOMYOPATHY, DILATED, WITH SENSORINEURAL HEARING LOSS, AUTOSOMAL DOMINANT. Identifiers: Orphanet 217622, MedGen C1854368, MONDO:0011541, OMIM 605362.

Submission:

Labcorp Genetics (formerly Invitae), Labcorp
Classification: Uncertain significance for Dilated cardiomyopathy 1J. Last evaluated: 2023-06-29. Review status: criteria provided, single submitter. Criteria: Invitae Variant Classification Sherloc (09022015). Collection method: clinical testing. Allele origin: germline.
Comment: This sequence change replaces glycine, which is neutral and non-polar, with alanine, which is neutral and non-polar, at codon 593 of the EYA4 protein (p.Gly593Ala). This variant is not present in population databases (gnomAD no frequency). This variant has not been reported in the literature in individuals affected with EYA4-related conditions. Advanced modeling of protein sequence and biophysical properties (such as structural, functional, and spatial information, amino acid conservation, physicochemical variation, residue mobility, and thermodynamic stability) performed at Invitae indicates that this missense variant is expected to disrupt EYA4 protein function. In summary, the available evidence is currently insufficient to determine the role of this variant in disease. Therefore, it has been classified as a Variant of Uncertain Significance.